The following is an entry in ClinVar:

NM_005566.4(LDHA):c.416C>T (p.Pro139Leu)

Gene: LDHA (lactate dehydrogenase A; plus strand). Cytogenetic location: 11p15.1.
Variant type: single nucleotide variant.
Coding change: c.416C>T on transcript NM_005566.4 (MANE Select); coding-DNA position 416, C replaced by T.
Protein change: p.Pro139Leu; replaces proline 139 with leucine.
Molecular consequence: missense variant. On other transcripts: non-coding transcript variant (1), intron variant (1).
Genome position (GRCh38, 1-based): chr11:18,401,008, C>T. VCF-style: chr11-18401008-C-T. GRCh37 (hg19) VCF-style: chr11-18422555-C-T.
Other names: c.503C>T, p.Pro168Leu (NM_001165414.2); c.416C>T, p.Pro139Leu (NM_001165415.2, NM_001165416.2); c.244+1460C>T (NM_001135239.2); short protein forms P168L, P139L.
Identifiers: ClinVar variation 2149404 (VCV002149404.4), dbSNP rs1866467413, ClinGen allele CA379503856.

ClinVar aggregate classification (germline): Uncertain significance (1 of 4 stars; one submission).

Conditions:
Glycogen storage disease due to lactate dehydrogenase M-subunit deficiency (GSD11). Also called: Glycogen storage disease XI; GSD XI; LACTATE DEHYDROGENASE A DEFICIENCY. Identifiers: Orphanet 284426, MedGen C2931743, MONDO:0013047, OMIM 612933.

Submission:

Labcorp Genetics (formerly Invitae), Labcorp
Classification: Uncertain significance for Glycogen storage disease due to lactate dehydrogenase M-subunit deficiency. Last evaluated: 2022-02-23. Review status: criteria provided, single submitter. Criteria: Invitae Variant Classification Sherloc (09022015). Collection method: clinical testing. Allele origin: germline.
Comment: In summary, the available evidence is currently insufficient to determine the role of this variant in disease. Therefore, it has been classified as a Variant of Uncertain Significance. Algorithms developed to predict the effect of missense changes on protein structure and function (SIFT, PolyPhen-2, Align-GVGD) all suggest that this variant is likely to be disruptive. This variant has not been reported in the literature in individuals affected with LDHA-related conditions. This variant is not present in population databases (gnomAD no frequency). This sequence change replaces proline, which is neutral and non-polar, with leucine, which is neutral and non-polar, at codon 139 of the LDHA protein (p.Pro139Leu).